The following is an entry in ClinVar:

NM_000601.6(HGF):c.6G>A (p.Trp2Ter)

Gene: HGF (hepatocyte growth factor; minus strand). Cytogenetic location: 7q21.11.
Variant type: single nucleotide variant.
Coding change: c.6G>A on transcript NM_000601.6 (MANE Select); coding-DNA position 6, G replaced by A.
Protein change: p.Trp2Ter; replaces tryptophan 2 with a stop codon.
Molecular consequence: nonsense.
Genome position (GRCh38, 1-based): chr7:81,769,966, C>T on the plus strand (G>A on the coding strand, the complement: HGF is on the minus strand). VCF-style: chr7-81769966-C-T. GRCh37 (hg19) VCF-style: chr7-81399282-C-T.
Other names: c.6G>A, p.Trp2Ter (NM_001010931.3, NM_001010932.3, NM_001010933.3 and 1 more transcripts); short protein forms W2*.
Identifiers: ClinVar variation 4728122 (VCV004728122.1).
Genomic context (GRCh38, chr7:81,769,966, plus strand): 5'-GAGCAGGAGGAGATGCAGGAGGACATGCTGCAGCAGCAGGGCTGGCAGGAGTTTGGTCAC[C>T]CACATGGTGCTGCTGGACGGGCTGGCGGATCCCTCTGGAGGAGATGCCTGGGTGAAAGAA-3'

ClinVar aggregate classification (germline): Pathogenic (1 of 4 stars; one submission).

Submission:

Labcorp Genetics (formerly Invitae), Labcorp
Classification: Pathogenic. Last evaluated: 2025-09-29. Review status: criteria provided, single submitter. Criteria: Invitae Variant Classification Sherloc (09022015). Collection method: clinical testing. Allele origin: germline.
Comment: This sequence change creates a premature translational stop signal (p.Trp2*) in the HGF gene. It is expected to result in an absent or disrupted protein product. Loss-of-function variants in HGF are known to be pathogenic (PMID: 38676400, 38791500). This variant is not present in population databases (gnomAD no frequency). This variant has not been reported in the literature in individuals affected with HGF-related conditions. For these reasons, this variant has been classified as Pathogenic.

Literature cited by the submitters: PubMed 38676400; PubMed 38791500.